The following is an entry in ClinVar:

ClinVar aggregate classification (germline): Likely benign. Review status: criteria provided, multiple submitters, no conflicts (2 of 4 stars). 3 submissions from 3 submitters: Likely benign (3). Last evaluated 2025-06-01.

Allele frequency attached by ClinVar (database versions not stated): ESP Exome Variant Server 0.00008; 1000 Genomes Project 0.00020; 1000 Genomes Project 30x 0.00031; TOPMed 0.00051; ExAC 0.00055; gnomAD exomes 0.00061 and 0.00119; gnomAD 0.00066.

Submissions (3):

CeGaT Center for Human Genetics Tuebingen
Classification: Likely benign. Last evaluated: 2025-06-01. Review status: criteria provided, single submitter. Criteria: CeGaT Center For Human Genetics Tuebingen Variant Classification Criteria Version 2. Collection method: clinical testing. Allele origin: germline. Affected: yes. Observed: 1 variant allele.
Comment: PCDHB4: BP4, BP7

Labcorp Genetics (formerly Invitae), Labcorp
Classification: Likely benign. Last evaluated: 2018-07-06. Review status: criteria provided, single submitter. Criteria: Invitae Variant Classification Sherloc (09022015). Collection method: clinical testing. Allele origin: germline.

Breakthrough Genomics
Classification: Likely benign. Review status: criteria provided, single submitter. Criteria: ACMG Guidelines, 2015. Collection method: not provided. Allele origin: germline. Inheritance: Unknown mechanism. Affected: yes.

NM_018938.4(PCDHB4):c.1998C>T (p.Ser666=)

Genes: PCDHB4 (protocadherin beta 4; plus strand), PCDHB@ (protocadherin beta cluster; plus strand). Cytogenetic location: 5q31.3.
Variant type: single nucleotide variant.
Coding change: c.1998C>T on transcript NM_018938.4 (MANE Select); coding-DNA position 1998, C replaced by T.
Protein change: p.Ser666=; no amino-acid change (serine 666 retained).
Molecular consequence: synonymous variant.
Genome position (GRCh38, 1-based): chr5:141,123,996, C>T. VCF-style: chr5-141123996-C-T. GRCh37 (hg19) VCF-style: chr5-140503578-C-T.
Identifiers: ClinVar variation 719967 (VCV000719967.14), dbSNP rs376746236, ClinGen allele CA3456676.